The following is an entry in ClinVar:

ClinVar aggregate classification (germline): Uncertain significance. Review status: criteria provided, multiple submitters, no conflicts (2 of 4 stars). 2 submissions from 2 submitters: Uncertain significance (2). Last evaluated 2024-07-06.

Conditions:
Hereditary cancer-predisposing syndrome. Also called: Hereditary Cancer Syndrome; Neoplastic Syndromes, Hereditary; Hereditary neoplastic syndrome; Tumor predisposition. Identifiers: Orphanet 140162, MedGen C0027672, MeSH D009386, MONDO:0015356.
Ataxia-telangiectasia syndrome (AT). Also called: Cerebello-oculocutaneous telangiectasia; Immunodeficiency with ataxia telangiectasia; Ataxia-telangiectasia, complementation group E; Ataxia-telangiectasia, complementation group D; AT, COMPLEMENTATION GROUP C; ATAXIA-TELANGIECTASIA, COMPLEMENTATION GROUP A. Identifiers: Orphanet 100, MedGen C0004135, MONDO:0008840, OMIM 208900.

Allele frequency attached by ClinVar (database versions not stated): gnomAD 0.00001.
gnomAD v4.1: 1 of 1,612,852 alleles (0.000062%); highest among the groups gnomAD compares: Non-Finnish European, 0.000085%; no homozygotes.

Submissions (2):

Labcorp Genetics (formerly Invitae), Labcorp
Classification: Uncertain significance for Ataxia-telangiectasia syndrome. Last evaluated: 2024-07-06. Review status: criteria provided, single submitter. Criteria: Invitae Variant Classification Sherloc (09022015). Collection method: clinical testing. Allele origin: germline.
Comment: This sequence change replaces glutamic acid, which is acidic and polar, with aspartic acid, which is acidic and polar, at codon 708 of the ATM protein (p.Glu708Asp). This variant also falls at the last nucleotide of exon 13, which is part of the consensus splice site for this exon. This variant is present in population databases (no rsID available, gnomAD 0.007%). This missense change has been observed in individual(s) with breast cancer (PMID: 30287823). ClinVar contains an entry for this variant (Variation ID: 820765). An algorithm developed to predict the effect of missense changes on protein structure and function (PolyPhen-2) suggests that this variant is likely to be tolerated. Variants that disrupt the consensus splice site are a relatively common cause of aberrant splicing (PMID: 17576681, 9536098). Algorithms developed to predict the effect of sequence changes on RNA splicing suggest that this variant may disrupt the consensus splice site. In summary, the available evidence is currently insufficient to determine the role of this variant in disease. Therefore, it has been classified as a Variant of Uncertain Significance.

Ambry Genetics
Classification: Uncertain significance for Hereditary cancer-predisposing syndrome. Last evaluated: 2018-01-30. Review status: criteria provided, single submitter. Criteria: Ambry Variant Classification Scheme 2023. Collection method: clinical testing. Allele origin: germline.
Comment: The c.2124G>C variant (also known as p.E708D), located in coding exon 12 of the ATM gene, results from a G to C substitution at nucleotide position 2124. The amino acid change results in glutamic acid to aspartic acid at codon 708, an amino acid with highly similar properties. However, this change occurs in the last base pair of coding exon 12, which makes it likely to have some effect on normal mRNA splicing. Using the BDGP and ESEfinder splice site prediction tools, this alteration is predicted to significantly weaken the efficiency of the native splice donor site; however, direct evidence is unavailable. This amino acid position is highly conserved in available vertebrate species. In addition, this alteration is predicted to be tolerated by in silico analysis. Since supporting evidence is limited at this time, the clinical significance of this alteration remains unclear.

Literature cited by the submitters: PubMed 30287823 (cited by Labcorp Genetics (formerly Invitae), Labcorp); PubMed 17576681 (cited by Labcorp Genetics (formerly Invitae), Labcorp); PubMed 9536098 (cited by Labcorp Genetics (formerly Invitae), Labcorp).

NM_000051.4(ATM):c.2124G>C (p.Glu708Asp)

Gene: ATM (ATM serine/threonine kinase; plus strand). Cytogenetic location: 11q22.3.
Variant type: single nucleotide variant.
Coding change: c.2124G>C on transcript NM_000051.4 (MANE Select); coding-DNA position 2124, G replaced by C.
Protein change: p.Glu708Asp; replaces glutamic acid 708 with aspartic acid.
Molecular consequence: missense variant.
Genome position (GRCh38, 1-based): chr11:108,254,039, G>C. VCF-style: chr11-108254039-G-C. GRCh37 (hg19) VCF-style: chr11-108124766-G-C.
Other names: c.2124G>C, p.Glu708Asp (NM_001351834.2); short protein forms E708D.
Identifiers: ClinVar variation 820765 (VCV000820765.14), dbSNP rs1468938522, ClinGen allele CA382537809.